The following is an entry in ClinVar:

NM_198578.4(LRRK2):c.1787A>G (p.Tyr596Cys)

Gene: LRRK2 (leucine rich repeat kinase 2; plus strand). Cytogenetic location: 12q12.
Variant type: single nucleotide variant.
Coding change: c.1787A>G on transcript NM_198578.4 (MANE Select); coding-DNA position 1787, A replaced by G.
Protein change: p.Tyr596Cys; replaces tyrosine 596 with cysteine.
Molecular consequence: missense variant.
Genome position (GRCh38, 1-based): chr12:40,274,713, A>G. VCF-style: chr12-40274713-A-G. GRCh37 (hg19) VCF-style: chr12-40668515-A-G.
Other names: c.1787A>G (NM_198578.3); short protein forms Y596C.
Identifiers: ClinVar variation 1461932 (VCV001461932.9), dbSNP rs2136605311, ClinGen allele CA384403257.

ClinVar aggregate classification (germline): Uncertain significance. Review status: criteria provided, multiple submitters, no conflicts (2 of 4 stars). 2 submissions from 2 submitters: Uncertain significance (2). Last evaluated 2023-06-05.

Conditions:
Inborn genetic diseases. Identifiers: MedGen C0950123, MeSH D030342.
Autosomal dominant Parkinson disease 8. Also called: LRRK2-Related Parkinson Disease; Parkinson disease 8; Parkinson disease 8, susceptibility to. Identifiers: Orphanet 411602, MedGen C1846862, MONDO:0011764, OMIM 607060.

Allele frequency attached by ClinVar (database versions not stated): gnomAD exomes below 0.00001.
gnomAD v4.1: 2 of 1,614,086 alleles (0.00012%); highest among the groups gnomAD compares: African/African-American, 0.0013%; no homozygotes.

Submissions (2):

Ambry Genetics
Classification: Uncertain significance for Inborn genetic diseases. Last evaluated: 2023-06-05. Review status: criteria provided, single submitter. Criteria: Ambry Variant Classification Scheme 2023. Collection method: clinical testing. Allele origin: germline.
Comment: The p.Y596C variant (also known as c.1787A>G), located in coding exon 15 of the LRRK2 gene, results from an A to G substitution at nucleotide position 1787. The tyrosine at codon 596 is replaced by cysteine, an amino acid with highly dissimilar properties. This amino acid position is conserved. In addition, the in silico prediction for this alteration is inconclusive. Since supporting evidence is limited at this time, the clinical significance of this alteration remains unclear.

Labcorp Genetics (formerly Invitae), Labcorp
Classification: Uncertain significance for Autosomal dominant Parkinson disease 8. Last evaluated: 2020-12-03. Review status: criteria provided, single submitter. Criteria: Invitae Variant Classification Sherloc (09022015). Collection method: clinical testing. Allele origin: germline.
Comment: In summary, the available evidence is currently insufficient to determine the role of this variant in disease. Therefore, it has been classified as a Variant of Uncertain Significance. Algorithms developed to predict the effect of missense changes on protein structure and function are either unavailable or do not agree on the potential impact of this missense change (SIFT: "Deleterious"; PolyPhen-2: "Probably Damaging"; Align-GVGD: "Class C0"). This variant has not been reported in the literature in individuals with LRRK2-related conditions. This variant is not present in population databases (ExAC no frequency). This sequence change replaces tyrosine with cysteine at codon 596 of the LRRK2 protein (p.Tyr596Cys). The tyrosine residue is weakly conserved and there is a large physicochemical difference between tyrosine and cysteine.